The following is an entry in ClinVar:

NM_019888.3(MC3R):c.130G>A (p.Val44Ile)

Gene: MC3R (melanocortin 3 receptor; plus strand). Cytogenetic location: 20q13.2.
Variant type: single nucleotide variant.
Coding change: c.130G>A on transcript NM_019888.3 (MANE Select); coding-DNA position 130, G replaced by A.
Protein change: p.Val44Ile; replaces valine 44 with isoleucine.
Molecular consequence: missense variant.
Genome position (GRCh38, 1-based): chr20:56,248,973, G>A. VCF-style: chr20-56248973-G-A. GRCh37 (hg19) VCF-style: chr20-54824029-G-A.
Other names: short protein forms V44I.
Identifiers: ClinVar variation 1227705 (VCV001227705.13), dbSNP rs3827103, ClinGen allele CA9916933.

ClinVar aggregate classification (germline): Benign. Review status: criteria provided, multiple submitters, no conflicts (2 of 4 stars). 4 submissions from 4 submitters: Benign (4). Last evaluated 2026-02-02.

Allele frequency attached by ClinVar (database versions not stated): gnomAD exomes 0.10508 and 0.13614; ExAC 0.14534; gnomAD 0.19230 and 0.19362; ESP Exome Variant Server 0.19906; TOPMed 0.20149; 1000 Genomes Project 0.25220; 1000 Genomes Project 30x 0.25859.

Submissions (4):

Labcorp Genetics (formerly Invitae), Labcorp
Classification: Benign. Last evaluated: 2026-02-02. Review status: criteria provided, single submitter. Criteria: Invitae Variant Classification Sherloc (09022015). Collection method: clinical testing. Allele origin: germline.

Blueprint Genetics
Classification: Benign. Last evaluated: 2024-11-28. Review status: criteria provided, single submitter. Criteria: ACMG Guidelines, 2015. Collection method: clinical testing. Allele origin: germline.

GeneDx
Classification: Benign. Last evaluated: 2019-09-24. Review status: criteria provided, single submitter. Criteria: GeneDx Variant Classification Process June 2021. Collection method: clinical testing. Allele origin: germline. Affected: yes.
Comment: This variant is associated with the following publications: (PMID: 24487982, 26818770, 16123355)

Breakthrough Genomics
Classification: Benign. Review status: criteria provided, single submitter. Criteria: ACMG Guidelines, 2015. Collection method: not provided. Allele origin: germline. Inheritance: Unknown mechanism. Affected: yes.